The following is an entry in ClinVar:

ClinVar aggregate classification (germline): Uncertain significance. Review status: reviewed by expert panel (3 of 4 stars). 5 submissions from 5 submitters: Uncertain significance (1). 4 of the submissions do not count toward it. Last evaluated 2024-05-23.

Conditions:
Marfan syndrome (MFS). Also called: FBN1-Related Marfan Syndrome; Marfan syndrome type 1; Marfan's syndrome; Marfan syndrome, classic; MARFAN SYNDROME, TYPE I. Identifiers: Orphanet 284963, Orphanet 558, MedGen C0024796, MONDO:0007947, OMIM 154700.
Familial thoracic aortic aneurysm and aortic dissection (TAAD). Also called: Thoracic aortic aneurysms and dissections. Identifiers: Orphanet 91387, MedGen C4707243, MONDO:0019625.
Thoracic aortic aneurysm or dissection.
Acute aortic dissection. Identifiers: MedGen C0241868.
Congenital aneurysm of ascending aorta (AAT1). Also called: Aortic aneurysm, thoracic; Familial thoracic aortic aneurysm; AORTIC ANEURYSM, FAMILIAL THORACIC 1; ANNULOAORTIC ECTASIA. Identifiers: Orphanet 229, MedGen C0345050, MONDO:0024559, OMIM 607086.

Allele frequency attached by ClinVar (database versions not stated): gnomAD exomes below 0.00001.
gnomAD v4.1: 3 of 1,614,238 alleles (0.00019%); highest among the groups gnomAD compares: Non-Finnish European, 0.00025%; no homozygotes.

Submissions (5):

ClinGen FBN1 Variant Curation Expert Panel, ClinGen
Classification: Uncertain significance for Marfan syndrome. Last evaluated: 2024-05-23. Review status: reviewed by expert panel. Criteria: Assertion Criteria VCEP FBN1 Version 1. Collection method: curation. Allele origin: germline. Inheritance: Autosomal dominant inheritance.
Comment: The NM_00138 c.1147G>A is a missense variant in FBN1 predicted to cause a substitution of a glycine by aspartic acid at amino acid 1143 (p.Gly1143Asp), in a cbEGF-like domain of the protein. This variant has been reported three times in ClinVar: once as likely pathogenic, and twice as uncertain significance (Variation ID: 617874). This variant has been reported in the literature in two individuals with aortic root aneurysm and/or annuloaortic ectasia (PMID 26621581, 34363016, PS4_Sup). This variant has been identified in 3/1180042 (0.0003%) individuals of European non-Finnish origin (PM2_sup; v4.1.0). Computational prediction tools and conservation analysis suggest that this variant may impact the protein (REVEL: 0.843, PP3). The constraint z-score for missense variants affecting FBN1 is 5.06 (PP2). Due to insufficient evidence, this variant is classified as uncertain significance for Marfan syndrome based on the ACMG/AMP criteria applied, as specified by the ClinGen FBN1 VCEP: PS4_Sup, PM2_Sup, PP2, PP3.

NHS Central & South Genomic Laboratory Hub
Classification: Uncertain significance for Thoracic aortic aneurysm or dissection. Last evaluated: 2025-04-09. Review status: criteria provided, single submitter. Criteria: ACMG Guidelines, 2015. Collection method: clinical testing. Allele origin: germline. Affected: yes. Not counted in ClinVar's aggregate classification.

Labcorp Genetics (formerly Invitae), Labcorp
Classification: Uncertain significance for Marfan syndrome; Familial thoracic aortic aneurysm and aortic dissection. Last evaluated: 2024-05-28. Review status: criteria provided, single submitter. Criteria: Invitae Variant Classification Sherloc (09022015). Collection method: clinical testing. Allele origin: germline. Not counted in ClinVar's aggregate classification.
Comment: This sequence change replaces glycine, which is neutral and non-polar, with aspartic acid, which is acidic and polar, at codon 1143 of the FBN1 protein (p.Gly1143Asp). This variant is present in population databases (no rsID available, gnomAD 0.0009%). This missense change has been observed in individual(s) with aortic root aneurysm (PMID: 26621581). ClinVar contains an entry for this variant (Variation ID: 617874). Advanced modeling of protein sequence and biophysical properties (such as structural, functional, and spatial information, amino acid conservation, physicochemical variation, residue mobility, and thermodynamic stability) performed at Invitae indicates that this missense variant is expected to disrupt FBN1 protein function with a positive predictive value of 95%. In summary, the available evidence is currently insufficient to determine the role of this variant in disease. Therefore, it has been classified as a Variant of Uncertain Significance.

Human Genome Sequencing Center Clinical Lab, Baylor College of Medicine
Classification: Likely pathogenic for Marfan syndrome. Last evaluated: 2020-02-20. Review status: criteria provided, single submitter. Criteria: ACMG Guidelines, 2015. Collection method: clinical testing. Allele origin: germline. Not counted in ClinVar's aggregate classification.
Comment: The c.3428G>A (p.Gly1143Asp) variant is located within a calcium-binding EGF-like domain of the fibrillin-1 protein at a position in which glycine is highly conserved across other EGF-like domains. Furthermore, substitution of this glycine in other fibrillin-1 EGF-like domains has been reported to cause Marfan syndrome (PMID: 16222657, 27160103). This variant is extremely rare in the general population, having an allele frequency of 1/251,480 (0.0003976%) in gnomAD. Multiple lines of computational evidence support a deleterious effect of this variant on the encoded protein. Therefore, this c.3428G>A (p.Gly1143Asp) in the FBN1 gene is classified as likely pathogenic.

University of Washington Center for Mendelian Genomics, University of Washington
Classification: Uncertain significance for Familial thoracic aortic aneurysms; Acute aortic dissections. Last evaluated: 2016-01-20. Review status: no assertion criteria provided. Collection method: research. Allele origin: unknown. Affected: yes. Not counted in ClinVar's aggregate classification.

Literature cited by the submitters: PubMed 26621581 (cited by Labcorp Genetics (formerly Invitae), Labcorp and University of Washington Center for Mendelian Genomics, University of Washington).

NM_000138.5(FBN1):c.3428G>A (p.Gly1143Asp)

Gene: FBN1 (fibrillin 1; minus strand). Cytogenetic location: 15q21.1.
Variant type: single nucleotide variant.
Coding change: c.3428G>A on transcript NM_000138.5 (MANE Select); coding-DNA position 3428, G replaced by A.
Protein change: p.Gly1143Asp; replaces glycine 1143 with aspartic acid.
Molecular consequence: missense variant.
Genome position (GRCh38, 1-based): chr15:48,487,347, C>T on the plus strand (G>A on the coding strand, the complement: FBN1 is on the minus strand). VCF-style: chr15-48487347-C-T. GRCh37 (hg19) VCF-style: chr15-48779544-C-T.
Other names: NM_000138.5(FBN1):c.3428G>A; p.Gly1143Asp; short protein forms G1143D.
Identifiers: ClinVar variation 617874 (VCV000617874.7), dbSNP rs1163486953, ClinGen allele CA392326316.